The following is an entry in ClinVar:

NM_032444.4(SLX4):c.3799C>T (p.Arg1267Cys)

Gene: SLX4 (SLX4 structure-specific endonuclease subunit; minus strand). Cytogenetic location: 16p13.3.
Variant type: single nucleotide variant.
Coding change: c.3799C>T on transcript NM_032444.4 (MANE Select); coding-DNA position 3799, C replaced by T.
Protein change: p.Arg1267Cys; replaces arginine 1267 with cysteine.
Molecular consequence: missense variant.
Genome position (GRCh38, 1-based): chr16:3,589,839, G>A on the plus strand (C>T on the coding strand, the complement: SLX4 is on the minus strand). VCF-style: chr16-3589839-G-A. GRCh37 (hg19) VCF-style: chr16-3639840-G-A.
Other names: c.3799C>T (NM_032444.3); short protein forms R1267C.
Identifiers: ClinVar variation 968630 (VCV000968630.9), dbSNP rs201422743, ClinGen allele CA7865831.

ClinVar aggregate classification (germline): Uncertain significance. Review status: criteria provided, multiple submitters, no conflicts (2 of 4 stars). 4 submissions from 4 submitters: Uncertain significance (4). Last evaluated 2025-09-10.

Conditions:
Inborn genetic diseases. Identifiers: MedGen C0950123, MeSH D030342.
Fanconi anemia complementation group P. Also called: SLX4-Related Fanconi Anemia. Identifiers: Orphanet 84, MedGen C3469542, MONDO:0013499, OMIM 613951.
Fanconi anemia (FA). Also called: Fanconi's anemia. Identifiers: Orphanet 84, MedGen C0015625, MeSH D005199, MONDO:0019391.

Allele frequency attached by ClinVar (database versions not stated): ExAC 0.00001; gnomAD exomes 0.00001 and 0.00002; gnomAD 0.00003; TOPMed 0.00003; 1000 Genomes Project 30x 0.00016; 1000 Genomes Project 0.00020.
gnomAD v4.1: 13 of 1,613,408 alleles (0.00081%); highest among the groups gnomAD compares: Admixed American, 0.005%; no homozygotes.

Submissions (4):

Ambry Genetics
Classification: Uncertain significance for Inborn genetic diseases. Last evaluated: 2025-09-10. Review status: criteria provided, single submitter. Criteria: Ambry Variant Classification Scheme 2023. Collection method: clinical testing. Allele origin: germline.

Women's Health and Genetics/Laboratory Corporation of America, LabCorp
Classification: Uncertain significance. Last evaluated: 2023-09-08. Review status: criteria provided, single submitter. Criteria: LabCorp Variant Classification Summary - May 2015. Collection method: clinical testing. Allele origin: germline.
Comment: Variant summary: BTBD12 c.3799C>T (p.Arg1267Cys) results in a non-conservative amino acid change in the encoded protein sequence. Four of five in-silico tools predict a benign effect of the variant on protein function. The variant allele was found at a frequency of 1.6e-05 in 250286 control chromosomes (gnomAD). The available data on variant occurrences in the general population are insufficient to allow any conclusion about variant significance. To our knowledge, no occurrence of c.3799C>T in individuals affected with Fanconi Anemia and no experimental evidence demonstrating its impact on protein function have been reported. One submitter has cited a clinical-significance assessment for this variant to ClinVar after 2014 and has classified the variant as uncertain significance. Based on the evidence outlined above, the variant was classified as uncertain significance.

Labcorp Genetics (formerly Invitae), Labcorp
Classification: Uncertain significance for Fanconi anemia. Last evaluated: 2022-08-19. Review status: criteria provided, single submitter. Criteria: Invitae Variant Classification Sherloc (09022015). Collection method: clinical testing. Allele origin: germline.
Comment: This sequence change replaces arginine, which is basic and polar, with cysteine, which is neutral and slightly polar, at codon 1267 of the SLX4 protein (p.Arg1267Cys). This variant is present in population databases (rs201422743, gnomAD 0.007%). This variant has not been reported in the literature in individuals affected with SLX4-related conditions. ClinVar contains an entry for this variant (Variation ID: 968630). Algorithms developed to predict the effect of missense changes on protein structure and function output the following: SIFT: "Deleterious"; PolyPhen-2: "Benign"; Align-GVGD: "Class C0". The cysteine amino acid residue is found in multiple mammalian species, which suggests that this missense change does not adversely affect protein function. In summary, the available evidence is currently insufficient to determine the role of this variant in disease. Therefore, it has been classified as a Variant of Uncertain Significance.

Fulgent Genetics
Classification: Uncertain significance for Fanconi anemia complementation group P. Last evaluated: 2022-04-21. Review status: criteria provided, single submitter. Criteria: ACMG Guidelines, 2015. Collection method: clinical testing. Allele origin: unknown.